The following is an entry in ClinVar:

ClinVar aggregate classification (germline): Uncertain significance. Review status: criteria provided, multiple submitters, no conflicts (2 of 4 stars). 3 submissions from 3 submitters: Uncertain significance (3). Last evaluated 2024-03-06.

Conditions:
Arrhythmogenic right ventricular dysplasia 11. Also called: Arrhythmogenic Right Ventricular Dysplasia/Cardiomyopathy11; ARRHYTHMOGENIC RIGHT VENTRICULAR DYSPLASIA, FAMILIAL, 11; Arrhythmogenic right ventricular dysplasia 11 with mild palmoplantar keratoderma and woolly hair. Identifiers: MedGen C1864850, MONDO:0012506, OMIM 610476.
Cardiomyopathy (CMYO). Also called: Cardiomyopathies. Identifiers: Orphanet 167848, MedGen C0878544, MONDO:0004994, HP:0001638. Inheritance: Various modes of inheritance.

Submissions (3):

Color Diagnostics, LLC DBA Color Health
Classification: Uncertain significance for Cardiomyopathy. Last evaluated: 2024-03-06. Review status: criteria provided, single submitter. Criteria: ACMG Guidelines, 2015. Collection method: clinical testing. Allele origin: germline.
Comment: This missense variant replaces serine with proline at codon 740 of the DSC2 protein. Computational prediction suggests that this variant may not impact protein structure and function (internally defined REVEL score threshold <= 0.5, PMID: 27666373). To our knowledge, functional studies have not been reported for this variant. This variant has not been reported in individuals affected with cardiovascular disorders in the literature. This variant has not been identified in the general population by the Genome Aggregation Database (gnomAD). The available evidence is insufficient to determine the role of this variant in disease conclusively. Therefore, this variant is classified as a Variant of Uncertain Significance.

Blueprint Genetics
Classification: Uncertain significance. Last evaluated: 2022-11-17. Review status: criteria provided, single submitter. Criteria: ACMG Guidelines, 2015. Collection method: clinical testing. Allele origin: germline.

Labcorp Genetics (formerly Invitae), Labcorp
Classification: Uncertain significance for Arrhythmogenic right ventricular dysplasia 11. Last evaluated: 2021-08-28. Review status: criteria provided, single submitter. Criteria: Invitae Variant Classification Sherloc (09022015). Collection method: clinical testing. Allele origin: germline.
Comment: This sequence change replaces serine with proline at codon 740 of the DSC2 protein (p.Ser740Pro). The serine residue is highly conserved and there is a moderate physicochemical difference between serine and proline. This variant is not present in population databases (ExAC no frequency). This variant has not been reported in the literature in individuals affected with DSC2-related conditions. Algorithms developed to predict the effect of missense changes on protein structure and function are either unavailable or do not agree on the potential impact of this missense change (SIFT: "Deleterious"; PolyPhen-2: "Probably Damaging"; Align-GVGD: "Class C0"). In summary, the available evidence is currently insufficient to determine the role of this variant in disease. Therefore, it has been classified as a Variant of Uncertain Significance.

NM_024422.6(DSC2):c.2218T>C (p.Ser740Pro)

Gene: DSC2 (desmocollin 2; minus strand). Cytogenetic location: 18q12.1.
Variant type: single nucleotide variant.
Coding change: c.2218T>C on transcript NM_024422.6 (MANE Select); coding-DNA position 2218, T replaced by C.
Protein change: p.Ser740Pro; replaces serine 740 with proline.
Molecular consequence: missense variant.
Genome position (GRCh38, 1-based): chr18:31,070,758, A>G on the plus strand (T>C on the coding strand, the complement: DSC2 is on the minus strand). VCF-style: chr18-31070758-A-G. GRCh37 (hg19) VCF-style: chr18-28650724-A-G.
Other names: c.2218T>C, p.Ser740Pro (NM_004949.5); short protein forms S740P.
Identifiers: ClinVar variation 468376 (VCV000468376.13), dbSNP rs1555637438, ClinGen allele CA402112401.
Genomic context (GRCh38, chr18:31,070,758, plus strand): 5'-TATTTATTTAAAAAGCCAGACTACTTACCACTTTGTCATCTCCAGGAGCTTCTGTGTTTG[A>G]TACAATTAGGTTCTGCTGGGCTAAATCATCAGGAATTACTTTTGGTTGTTTAGACGTCCC-3'
Protein context (NP_077740.1, residues 730-750): DDLAQQNLIV[Ser740Pro]NTEAPGDDKV